The following is an entry in ClinVar:

ClinVar aggregate classification (germline): Pathogenic. Review status: reviewed by expert panel (3 of 4 stars). 15 submissions from 15 submitters: Pathogenic (1). 14 of the submissions do not count toward it. Last evaluated 2013-09-05.

Conditions:
Hereditary nonpolyposis colorectal neoplasms. Identifiers: MedGen C0009405, MeSH D003123.
Hereditary nonpolyposis colon cancer (HNPCC). Also called: Hereditary nonpolyposis colorectal cancer; Familial nonpolyposis colon cancer; Hereditary Nonpolyposis Colorectal Cancer Syndrome. Identifiers: Orphanet 443909, MedGen C1333990, MONDO:0018630. Disease mechanism: loss of function.
Lynch syndrome. Identifiers: Orphanet 144, MedGen C4552100, MONDO:0005835. Disease mechanism: loss of function.
Inherited MMR deficiency (Lynch syndrome).
Hereditary cancer-predisposing syndrome. Also called: Neoplastic Syndromes, Hereditary; Tumor predisposition; Hereditary Cancer Syndrome; Hereditary neoplastic syndrome. Identifiers: Orphanet 140162, MedGen C0027672, MeSH D009386, MONDO:0015356.
Gastric cancer. Also called: Stomach cancer; Malignant tumor of stomach. Identifiers: MedGen C0024623, MeSH D013274, MONDO:0001056, OMIM 613659, HP:0012126.
Endometrial carcinoma. Also called: Endometrial carcinoma, somatic. Identifiers: MedGen C0476089, MONDO:0002447, OMIM 608089, HP:0012114.
Lynch syndrome 5 (LYNCH5). Also called: Colorectal cancer, hereditary nonpolyposis, type 5; Hereditary non-polyposis colorectal cancer, type 5. Identifiers: Orphanet 144, MedGen C1833477, MONDO:0013710, OMIM 614350. Disease mechanism: loss of function.

Submissions (15):

International Society for Gastrointestinal Hereditary Tumours (InSiGHT)
Classification: Pathogenic for Lynch Syndrome. Last evaluated: 2013-09-05. Review status: reviewed by expert panel. Criteria: Guidelines v1.9. Collection method: research. Allele origin: germline.
Comment: Coding sequence variation resulting in a stop codon

Classified with v1.9 guidelines

Genomics and Molecular Medicine Service, East Genomic Laboratory Hub, NHS Genomic Medicine Service
Classification: Pathogenic for Inherited MMR deficiency (Lynch syndrome). Last evaluated: 2026-01-27. Review status: criteria provided, single submitter. Criteria: ACGS Best Practice Guidelines for Variant Classification in Rare Disease 2020. Collection method: clinical testing. Allele origin: germline. Affected: yes. Not counted in ClinVar's aggregate classification.
Comment: PVS1,PM2_Supporting,PP4_Moderate

Labcorp Genetics (formerly Invitae), Labcorp
Classification: Pathogenic for Hereditary nonpolyposis colorectal neoplasms. Last evaluated: 2026-01-12. Review status: criteria provided, single submitter. Criteria: Invitae Variant Classification Sherloc (09022015). Collection method: clinical testing. Allele origin: germline. Not counted in ClinVar's aggregate classification.
Comment: This sequence change creates a premature translational stop signal (p.Tyr397Cysfs*3) in the MSH6 gene. It is expected to result in an absent or disrupted protein product. Loss-of-function variants in MSH6 are known to be pathogenic (PMID: 18269114, 24362816). This variant is present in population databases (rs756896277, gnomAD 0.003%). This premature translational stop signal has been observed in individual(s) with Lynch syndrome (PMID: 14974087, 15483016, 26681312). Invitae Evidence Modeling of clinical and family history, age, sex, and reported ancestry of multiple individuals with this MSH6 variant has been performed. This variant is expected to be pathogenic with a positive predictive value of at least 99%. This is a validated machine learning model that incorporates the clinical features of 1,627,235 individuals referred to our laboratory for MSH6 testing. ClinVar contains an entry for this variant (Variation ID: 89178). For these reasons, this variant has been classified as Pathogenic.

Ambry Genetics
Classification: Pathogenic for Hereditary cancer-predisposing syndrome. Last evaluated: 2025-11-18. Review status: criteria provided, single submitter. Criteria: Ambry Variant Classification Scheme 2023. Collection method: clinical testing. Allele origin: germline. Not counted in ClinVar's aggregate classification.
Comment: The c.1190_1191delAT pathogenic mutation, located in coding exon 4 of the MSH6 gene, results from a deletion of two nucleotides at nucleotide positions 1190 to 1191, causing a translational frameshift with a predicted alternate stop codon (p.Y397Cfs*3). This alteration is expected to result in loss of function by premature protein truncation or nonsense-mediated mRNA decay. As such, this alteration is interpreted as a disease-causing mutation.

Baylor Genetics
Classification: Pathogenic for Endometrial carcinoma. Last evaluated: 2024-03-20. Review status: criteria provided, single submitter. Criteria: ACMG Guidelines, 2015. Collection method: clinical testing. Allele origin: unknown. Not counted in ClinVar's aggregate classification.

Myriad Genetics, Inc.
Classification: Pathogenic for Lynch syndrome 5. Last evaluated: 2023-08-11. Review status: criteria provided, single submitter. Criteria: Myriad Autosomal Dominant, Autosomal Recessive and X-Linked Classification Criteria (2023). Collection method: clinical testing. Allele origin: unknown. Not counted in ClinVar's aggregate classification.
Comment: This variant is considered pathogenic. This variant creates a frameshift predicted to result in premature protein truncation.

GeneDx
Classification: Pathogenic. Last evaluated: 2023-06-09. Review status: criteria provided, single submitter. Criteria: GeneDx Variant Classification Process June 2021. Collection method: clinical testing. Allele origin: germline. Affected: yes. Not counted in ClinVar's aggregate classification.
Comment: Frameshift variant predicted to result in protein truncation or nonsense mediated decay in a gene for which loss-of-function is a known mechanism of disease; Truncating variants in this gene are considered pathogenic by a well-established clinical consortium and/or database; Not observed at significant frequency in large population cohorts (gnomAD); Observed in individuals with early-onset colon cancer who had tumors showing microsatellite instability and/or loss of MSH6 on immunohistochemistry staining (Plaschke et al., 2004; Steinke et al., 2008; You et al., 2010; Yang et al., 2021); This variant is associated with the following publications: (PMID: 14974087, 32980694, 29922827, 18301448, 21081928, 26681312, 15483016, 36988593, 34178123)

Department of Pathology and Laboratory Medicine, Sinai Health System
Classification: Pathogenic for Endometrial carcinoma; Lynch syndrome 5. Last evaluated: 2023-05-25. Review status: criteria provided, single submitter. Criteria: ACMG Guidelines, 2015. Collection method: clinical testing. Allele origin: germline. Affected: yes. Not counted in ClinVar's aggregate classification.

New York Genome Center
Classification: Pathogenic for Lynch syndrome 5. Last evaluated: 2021-06-23. Review status: criteria provided, single submitter. Criteria: NYGC Assertion Criteria 2020. Collection method: clinical testing. Allele origin: inherited. Observed: 1 heterozygote. Study: CSER-NYCKidSeq. Not counted in ClinVar's aggregate classification.
Comment: The inherited c.1190_1191del (p.Tyr397CysfsTer3) variant identified in the MSH6 gene is the deletion of two nucleotides resulting in a frameshift of the protein at amino acid 397/1361 (exon 4/10), which is predicted to lead to the termination of the protein approximately 3 amino acids downstream. This variant is absent from gnomAD(v3.1.1) suggesting it is not a common benign variant in the populations represented in that database. This variant has been reviewedby an Expert Panel and reported in ClinVar as Pathogenic (VarID:89178) and has been reported in several affected individuals in the literature [PMID:15483016,18301448, 21081928]. The inherited c.1190_1191del (p.Tyr397CysfsTer3) variant identified in the MSH6 gene is reported as Pathogenic.

Sema4
Classification: Pathogenic for Hereditary cancer-predisposing syndrome. Last evaluated: 2021-05-08. Review status: criteria provided, single submitter. Criteria: Sema4 Curation Guidelines. Collection method: curation. Allele origin: germline. Not counted in ClinVar's aggregate classification.
Comment: The MSH6 c.1190_1191delAT (p.Y397CfsX3) variant has been reported in heterozygosity in at least three individuals with hereditary non-polyposis colorectal cancer or endometrial cancer (PMID: 14974087, 26681312, 18301448, 21081928). This variant causes a frameshift at amino acid 397 that results in premature termination 3 amino acids downstream. At this location, this is predicted to cause nonsense-mediated decay and result in an absent protein (loss of function). Loss of function variants in MSH6 are known to be pathogenic (PMID: 24362816). This variant was observed in 1/34572 chromosomes in the Latino population according to the Genome Aggregation Database (PMID: 32461654) and has been reported in ClinVar (Variation ID: 89178). Based on the current evidence available, this variant is interpreted as pathogenic.

Women's Health and Genetics/Laboratory Corporation of America, LabCorp
Classification: Pathogenic for Lynch syndrome. Last evaluated: 2017-11-15. Review status: criteria provided, single submitter. Criteria: LabCorp Variant Classification Summary - May 2015. Collection method: clinical testing. Allele origin: germline. Not counted in ClinVar's aggregate classification.
Comment: Variant summary: The MSH6 c.1190_1191delAT (p.Tyr397CysfsX3) variant results in a premature termination codon, predicted to cause a truncated or absent MSH6 protein due to nonsense mediated decay, which are commonly known mechanisms for disease. One in silico tool predicts a damaging outcome for this variant. Truncations downstream of this position have been classified as pathogenic by our laboratory (e.g. c.1444C>T (p.Arg482X), c.1572C>A (p.Tyr524X), c.1634_1637delAAGA (p.Lys545fsX25)). The variant has been observed in patients with HNPCC-associated cancers (i.e. CRC and cancer of the endometrium), in one of them a CRC tumor sample showing loss of MSH6 and microsatellite instability (Plaschke 2004, Susswein 2015). This variant was found in 2/245974 control chromosomes at a frequency of 0.0000081, which does not exceed the estimated maximal expected allele frequency of a pathogenic MSH6 variant (0.0001421). In addition, multiple clinical diagnostic laboratories/reputable databases classified this variant as pathogenic. Taken together, this variant is classified as pathogenic.

Clinical Genetics and Genomics, Karolinska University Hospital
Classification: Pathogenic. Last evaluated: 2017-02-14. Review status: criteria provided, single submitter. Criteria: ACMG Guidelines, 2015. Collection method: clinical testing. Allele origin: germline. Affected: yes. Observed: 3 variant alleles. Not counted in ClinVar's aggregate classification.

Juno Genomics, Hangzhou Juno Genomics, Inc
Classification: Pathogenic for Lynch syndrome 5. Review status: criteria provided, single submitter. Criteria: ACMG Guidelines, 2015. Collection method: clinical testing. Allele origin: germline. Not counted in ClinVar's aggregate classification.
Comment: Absent from controls (or at extremely low frequency if recessive) in Genome Aggregation Database.;Null variant in a gene where loss of function (LOF) is a known mechanism of disease.;Patient's phenotype or family history is highly specific for a disease with a single genetic etiology.

Laboratory for Genotyping Development, RIKEN
Classification: Pathogenic for Gastric cancer. Last evaluated: 2021-07-01. Review status: no assertion criteria provided. Collection method: research. Allele origin: germline. Not counted in ClinVar's aggregate classification.

Mayo Clinic Laboratories, Mayo Clinic
Classification: Pathogenic. Review status: no assertion criteria provided. Collection method: clinical testing. Allele origin: unknown. Not counted in ClinVar's aggregate classification.

Literature cited by the submitters: PubMed 18269114 (cited by Labcorp Genetics (formerly Invitae), Labcorp); PubMed 24362816 (cited by Labcorp Genetics (formerly Invitae), Labcorp and Sema4); PubMed 14974087 (cited by 4 submitters); PubMed 15483016 (cited by Labcorp Genetics (formerly Invitae), Labcorp and New York Genome Center); PubMed 26681312 (cited by 4 submitters); PubMed 18301448 (cited by 4 submitters); PubMed 21081928 (cited by 4 submitters); PubMed 36988593 (cited by Laboratory for Genotyping Development, RIKEN).

NM_000179.3(MSH6):c.1190_1191del (p.Tyr397fs)

Gene: MSH6 (mutS homolog 6; plus strand). Cytogenetic location: 2p16.3.
Variant type: Deletion.
Coding change: c.1190_1191del on transcript NM_000179.3 (MANE Select); coding-DNA positions 1190 to 1191, 2 bases deleted (AT; older notation c.1190_1191delAT).
Protein change: p.Tyr397fs; shifts the reading frame from tyrosine 397.
Molecular consequence: frameshift variant.
Genome position (GRCh38, 1-based): chr2:47,799,173-47,799,174, AT deleted; deleting any 2 consecutive bases within chr2:47,799,172-47,799,174 gives the same sequence; the c. name uses the placement nearest the transcript's 3' end. VCF-style (leftmost placement, unchanged base first): chr2-47799171-CTA-C. GRCh37 (hg19) VCF-style: chr2-48026310-CTA-C.
Other names: c.1190_1191delAT (NM_000179.2); c.800_801del, p.Tyr267fs (NM_001281492.2); c.284_285del, p.Tyr95fs (NM_001281493.2, NM_001281494.2); short protein forms Y267fs, Y95fs.
Identifiers: ClinVar variation 89178 (VCV000089178.49), dbSNP rs63750439, ClinGen allele CA008276.